The following is an entry in ClinVar:

ClinVar aggregate classification (germline): Pathogenic (1 of 4 stars; one submission).

Conditions:
Hereditary cancer-predisposing syndrome. Also called: Hereditary Cancer Syndrome; Neoplastic Syndromes, Hereditary; Hereditary neoplastic syndrome; Tumor predisposition. Identifiers: Orphanet 140162, MedGen C0027672, MeSH D009386, MONDO:0015356.

Submission:

Ambry Genetics
Classification: Pathogenic for Hereditary cancer-predisposing syndrome. Last evaluated: 2013-04-30. Review status: criteria provided, single submitter. Criteria: Ambry Autosomal Dominant and X-Linked criteria (10/2015). Collection method: clinical testing. Allele origin: germline. Observed: 1 variant allele.
Comment: This alteration is expected to result in loss of function by premature protein truncation or nonsense-mediatedâ€¯mRNAâ€¯decay.â€¯As such, this alteration is interpreted as a disease-causing mutation.

NM_001370259.2(MEN1):c.429_432delinsATT (p.Phe144fs)

Gene: MEN1 (menin 1; minus strand). Cytogenetic location: 11q13.1.
Variant type: Indel.
Coding change: c.429_432delinsATT on transcript NM_001370259.2 (MANE Select); coding-DNA positions 429 to 432, CTTC replaced by ATT.
Protein change: p.Phe144fs; shifts the reading frame from phenylalanine 144.
Molecular consequence: frameshift variant.
Genome position (GRCh38, 1-based): chr11:64,809,678-64,809,681, GAAG replaced by AAT on the plus strand (CTTC replaced by ATT on the coding strand, the reverse complement: MEN1 is on the minus strand). VCF-style: chr11-64809678-GAAG-AAT. GRCh37 (hg19) VCF-style: chr11-64577150-GAAG-AAT.
Other names: c.429_432delinsATT, p.Phe144fs (NM_000244.4, NM_001370251.2, NM_001370260.2 and 9 more transcripts); short protein forms F144fs.
Identifiers: ClinVar variation 428017 (VCV000428017.4), dbSNP rs1114167481, ClinGen allele CA645369509.